The following is an entry in ClinVar:

NM_000492.4(CFTR):c.579+3A>G

Gene: CFTR (CF transmembrane conductance regulator; plus strand). Cytogenetic location: 7q31.2.
Variant type: single nucleotide variant.
Coding change: c.579+3A>G on transcript NM_000492.4 (MANE Select); 3 bases into the intron after coding-DNA position 579, A replaced by G.
Molecular consequence: intron variant.
Genome position (GRCh38, 1-based): chr7:117,534,368, A>G. VCF-style: chr7-117534368-A-G. GRCh37 (hg19) VCF-style: chr7-117174422-A-G.
Other names: 711+3A->G.
Identifiers: ClinVar variation 54010 (VCV000054010.37), dbSNP rs397508761, ClinGen allele CA328126.

ClinVar aggregate classification (germline): Pathogenic. Review status: reviewed by expert panel (3 of 4 stars). 19 submissions from 18 submitters: Pathogenic (1). 18 of the submissions do not count toward it. Last evaluated 2017-03-17.

Conditions:
CFTR-related disorder (CFTR-RD). Also called: CFTR-related condition; CFTR-related disorders. Identifiers: MedGen C5924204, MONDO:7770004.
Cystic fibrosis (CF). Also called: MUCOVISCIDOSIS. Identifiers: Orphanet 586, MedGen C0010674, MONDO:0009061, OMIM 219700. Disease mechanism: loss of function.
Congenital bilateral aplasia of vas deferens from CFTR mutation (CBAVD). Identifiers: Orphanet 48, MedGen C0403814, MONDO:0010178, OMIM 277180. Disease mechanism: loss of function.
Bronchiectasis with or without elevated sweat chloride 1 (BESC1). Also called: Cystic Fibrosis-Like Syndrome. Identifiers: Orphanet 60033, MedGen C2749757, MONDO:0008887, OMIM 211400.
Hereditary pancreatitis (PCTT). Also called: PRSS1-Related Hereditary Pancreatitis; Hereditary chronic pancreatitis. Identifiers: Orphanet 676, MedGen C0238339, MONDO:0008185, OMIM 167800.
Obstructive azoospermia. Identifiers: MedGen C4023106, HP:0011962.

Allele frequency attached by ClinVar (database versions not stated): gnomAD exomes 0.00002 and 0.00006; ExAC 0.00002; gnomAD 0.00002; TOPMed 0.00002.
gnomAD v4.1: 79 of 1,474,442 alleles (0.0054%); highest among the groups gnomAD compares: Non-Finnish European, 0.0072%; no homozygotes.

Submissions 1 to 11 of 19:

CFTR2
Classification: Pathogenic for Cystic fibrosis. Last evaluated: 2017-03-17. Review status: reviewed by expert panel. Criteria: Sosnay PR et al. (Nat Genet 2013). Collection method: research. Allele origin: germline. Affected: yes. Study: CFTR2.

Labcorp Genetics (formerly Invitae), Labcorp
Classification: Pathogenic for Cystic fibrosis. Last evaluated: 2026-01-27. Review status: criteria provided, single submitter. Criteria: Invitae Variant Classification Sherloc (09022015). Collection method: clinical testing. Allele origin: germline. Not counted in ClinVar's aggregate classification.
Comment: This sequence change falls in intron 5 of the CFTR gene. It does not directly change the encoded amino acid sequence of the CFTR protein. RNA analysis indicates that this variant induces altered splicing and likely results in a shortened protein product. This variant is present in population databases (rs397508761, gnomAD 0.003%). This variant has been observed in individuals with cystic fibrosis, often with a second pathogenic variant in trans with this allele (PMID: 7524913, 18456578, 21097845, 23974870). ClinVar contains an entry for this variant (Variation ID: 54010). Variants that disrupt the consensus splice site are a relatively common cause of aberrant splicing (PMID: 17576681, 9536098). Studies have shown that this variant results in skipping of skipping of exon 5, but is expected to preserve the integrity of the reading-frame (PMID: 21097845). For these reasons, this variant has been classified as Pathogenic.

Otogenetics
Classification: Pathogenic for Cystic fibrosis; Congenital bilateral aplasia of vas deferens from CFTR mutation. Last evaluated: 2025-11-21. Review status: criteria provided, single submitter. Criteria: ACMG Guidelines, 2015. Collection method: clinical testing. Allele origin: germline. Not counted in ClinVar's aggregate classification.
Comment: PS3: Well-established in vitro and in vivo functional studies supportive of damaging effect on the gene product, with misspliced RNA compared to wild-type reported (PMID: 21097845, 23974870); PM2: Maximum gnomAD MAF of 0.0072% in European-Non Finnish (NFE) subpopulation (<0.28% threshold); PM3_Strong: Variant reported in trans with 3 pathogenic variants in 7 individuals affected with cystic fibrosis (PMID: 21097845, 25910067, 31523618); PP3: In-silico models predict deleterious effect (dbscSNV Ada = 1, dbscSNV RF = 0.93)

Victorian Clinical Genetics Services, Murdoch Childrens Research Institute
Classification: Pathogenic for Cystic fibrosis. Last evaluated: 2025-10-02. Review status: criteria provided, single submitter. Criteria: ACMG Guidelines, 2015. Collection method: clinical testing. Allele origin: germline. Affected: no. Not counted in ClinVar's aggregate classification.
Comment: This variant is classified as Pathogenic. Evidence in support of pathogenic classification: Splice site variant proven to affect splicing of the transcript with uncertain effect on protein sequence. RT-PCR studies in patient cells indicates this variant results in an in-frame deletion of exon 5 (PMID: 21097845); Variant is present in gnomAD <0.01 for a recessive condition (v4: 79 heterozygote(s), 0 homozygote(s)) ; This variant has very strong previous evidence of pathogenicity in unrelated individuals. It has been classified as pathogenic by the expert panel (CFTR2), and by clinical laboratories in ClinVar. Additional information: This variant is heterozygous; This gene is associated with autosomal recessive disease; Loss of function is a known mechanism of disease in this gene and is associated with cystic fibrosis (MIM#219700); Inheritance information for this variant is not currently available in this individual.

Natera, Inc.
Classification: Pathogenic for CFTR-related disorders. Last evaluated: 2025-09-09. Review status: criteria provided, single submitter. Criteria: Natera Variant Classification Schema (03/2026). Collection method: clinical testing. Allele origin: germline. Not counted in ClinVar's aggregate classification.
Comment: The c.579+3A>G variant in CFTR is an intronic variant located outside the canonical splice sites. This variant is rare in the general population with a frequency below the threshold expected for the associated phenotype(s). This variant has been observed in one or more individuals affected with the associated recessive disease, as either homozygous or compound heterozygous with a second variant (PMID: 31523618). Computational prediction algorithms indicate this variant is likely to affect gene or protein function. Given the available evidence, this variant is classified as Pathogenic.

First Genomix Gene Laboratory, Genetic Diagnostics Department
Classification: Pathogenic for Congenital bilateral aplasia of vas deferens from CFTR mutation; Cystic fibrosis. Last evaluated: 2025-06-19. Review status: criteria provided, single submitter. Criteria: ACMG Guidelines, 2015. Collection method: clinical testing. Allele origin: germline. Inheritance: Autosomal recessive inheritance. Affected: no. Observed: 1 variant allele. Not counted in ClinVar's aggregate classification.

Baylor Genetics
Classification: Pathogenic for Bronchiectasis with or without elevated sweat chloride 1. Last evaluated: 2024-02-15. Review status: criteria provided, single submitter. Criteria: ACMG Guidelines, 2015. Collection method: clinical testing. Allele origin: unknown. Not counted in ClinVar's aggregate classification.

Laboratory of Medical Genetics, National & Kapodistrian University of Athens
Classification: Pathogenic for Cystic fibrosis. Last evaluated: 2024-02-01. Review status: criteria provided, single submitter. Criteria: ACMG Guidelines, 2015. Collection method: curation. Allele origin: germline. Affected: no. Not counted in ClinVar's aggregate classification.

Ambry Genetics
Classification: Pathogenic for Cystic fibrosis. Last evaluated: 2023-01-30. Review status: criteria provided, single submitter. Criteria: Ambry Variant Classification Scheme 2023. Collection method: clinical testing. Allele origin: germline. Not counted in ClinVar's aggregate classification.
Comment: The c.579+3A>G intronic pathogenic mutation (also known as 711+3 A>G) results from an A to G substitution 3 nucleotides after coding exon 5 in the CFTR gene. This mutation was first reported in two individuals with cystic fibrosis (CF) who also carried the p.F508del pathogenic mutation in trans. Both individuals had positive sweat chloride tests and respiratory disease, and one had pancreatic insufficiency (Petreska L et al. Hum Mol Genet. 1994;3(6):999-1000). This mutation has been shown to cause abnormal splicing resulting in the in-frame skipping of exon 5 (Sheridan MB et al. J Med Genet. 2011; 48(4):235-41). This pathogenic mutation is associated with pancreatic sufficiency, mildly elevated sweat chloride levels, and higher rate of Pseudomonas infection (Sosnay PR et al. Nat Genet. 2013;45(10):1160-1167). Based on the supporting evidence, this alteration is interpreted as a disease-causing mutation.

ARUP Laboratories, Molecular Genetics and Genomics, ARUP Laboratories
Classification: Pathogenic. Last evaluated: 2022-10-19. Review status: criteria provided, single submitter. Criteria: ARUP Molecular Germline Variant Investigation Process 2021. Collection method: clinical testing. Allele origin: germline. Not counted in ClinVar's aggregate classification.
Comment: The CFTR c.579+3A>G variant (rs397508761), also known as 711+3A>G, is reported in individuals diagnosed with cystic fibrosis, and often associated with pancreatic sufficiency (CFTR2 database, Sheridan 2011). This variant is also reported in ClinVar (Variation ID: 54010). It is only observed on five alleles in the Genome Aggregation Database, indicating it is not a common polymorphism. This is an intronic variant in a moderately conserved nucleotide, and computational analyses (Alamut v.2.11) predict that this variant may impact splicing by weakening the nearby canonical donor splice site. Functional characterization indicates that the variant causes the skipping of exon 5, leading to the absence of correctly spliced mRNA (Raynal 2013, Sheridan 2011, Sosnay 2013). Based on available information, this variant is considered to be pathogenic. References: CFTR2 database: Raynal C et al. A classification model relative to splicing for variants of unknown clinical significance: application to the CFTR gene. Hum Mutat. 2013 May;34(5):774-84. PMID: 23381846. Sheridan MB et al. CFTR transcription defects in pancreatic sufficient cystic fibrosis patients with only one mutation in the coding region of CFTR. J Med Genet. 2011 Apr;48(4):235-41. PMID: 21097845. Sosnay PR et al. Defining the disease liability of variants in the cystic fibrosis transmembrane conductance regulator gene. Nat Genet. 2013 Oct;45(10):1160-7. PMID: 23974870.

Institute of Human Genetics, University of Leipzig Medical Center
Classification: Pathogenic for Cystic fibrosis. Last evaluated: 2022-09-05. Review status: criteria provided, single submitter. Criteria: ACMG Guidelines, 2015. Collection method: curation. Allele origin: unknown. Affected: yes. Observed: 2 variant alleles. Not counted in ClinVar's aggregate classification.
Comment: This variant was identified in 2 unrelated patients with a clinically confirmed diagnosis of cystic fibrosis. The variant was classified in the context of a project re-classifying variants in the German Cystic Fibrosis Registry (Muko.e.V.). Criteria applied: PS1_MOD, PS3_MOD, PM2_SUP, PM3_VSTR, PP3